The following is an entry in ClinVar:

NM_020949.3(SLC7A14):c.2140G>A (p.Gly714Ser)

Gene: SLC7A14 (solute carrier family 7 member 14; minus strand). Cytogenetic location: 3q26.2.
Variant type: single nucleotide variant.
Coding change: c.2140G>A on transcript NM_020949.3 (MANE Select); coding-DNA position 2140, G replaced by A.
Protein change: p.Gly714Ser; replaces glycine 714 with serine.
Molecular consequence: missense variant.
Genome position (GRCh38, 1-based): chr3:170,467,231, C>T on the plus strand (G>A on the coding strand, the complement: SLC7A14 is on the minus strand). VCF-style: chr3-170467231-C-T. GRCh37 (hg19) VCF-style: chr3-170185019-C-T.
Other names: short protein forms G714S.
Identifiers: ClinVar variation 1411857 (VCV001411857.6), dbSNP rs777387587, ClinGen allele CA2701494.

ClinVar aggregate classification (germline): Uncertain significance (1 of 4 stars; one submission).

Allele frequency attached by ClinVar (database versions not stated): gnomAD exomes below 0.00001 and 0.00004; ExAC 0.00001; gnomAD 0.00001; TOPMed 0.00001.

Submission:

Labcorp Genetics (formerly Invitae), Labcorp
Classification: Uncertain significance. Last evaluated: 2022-06-27. Review status: criteria provided, single submitter. Criteria: Invitae Variant Classification Sherloc (09022015). Collection method: clinical testing. Allele origin: germline.
Comment: In summary, the available evidence is currently insufficient to determine the role of this variant in disease. Therefore, it has been classified as a Variant of Uncertain Significance. Algorithms developed to predict the effect of missense changes on protein structure and function (SIFT, PolyPhen-2, Align-GVGD) all suggest that this variant is likely to be tolerated. This variant has not been reported in the literature in individuals affected with SLC7A14-related conditions. This variant is present in population databases (rs777387587, gnomAD 0.004%). This sequence change replaces glycine, which is neutral and non-polar, with serine, which is neutral and polar, at codon 714 of the SLC7A14 protein (p.Gly714Ser).